The following is an entry in ClinVar:

ClinVar aggregate classification (germline): Benign. Review status: criteria provided, multiple submitters, no conflicts (2 of 4 stars). 3 submissions from 3 submitters: Benign (3). Last evaluated 2018-01-12.

Conditions:
Bardet-Biedl syndrome 4 (BBS4). Identifiers: Orphanet 110, MedGen C2936864, MONDO:0014433, OMIM 615982.

Allele frequency attached by ClinVar (database versions not stated): 1000 Genomes Project 30x 0.02108; TOPMed 0.04381; gnomAD 0.04836 and 0.04674; 1000 Genomes Project 0.02077; ESP Exome Variant Server 0.04377; gnomAD exomes 0.04581; ExAC 0.04367.

Submissions (3):

Illumina Laboratory Services, Illumina
Classification: Benign for Bardet-Biedl syndrome 4. Last evaluated: 2018-01-12. Review status: criteria provided, single submitter. Criteria: ICSL Variant Classification Criteria 13 December 2019. Collection method: clinical testing. Allele origin: germline.
Comment: This variant was observed in the ICSL laboratory as part of a predisposition screen in an ostensibly healthy population. It had not been previously curated by ICSL or reported in the Human Gene Mutation Database (HGMD: prior to June 1st, 2018), and was therefore a candidate for classification through an automated scoring system. Utilizing variant allele frequency, disease prevalence and penetrance estimates, and inheritance mode, an automated score was calculated to assess if this variant is too frequent to cause the disease. Based on the score and internal cut-off values, a variant classified as benign is not then subjected to further curation. The score for this variant resulted in a classification of benign for this disease.

Breakthrough Genomics
Classification: Benign. Review status: criteria provided, single submitter. Criteria: ACMG Guidelines, 2015. Collection method: not provided. Allele origin: germline. Inheritance: Autosomal recessive inheritance. Affected: yes.

PreventionGenetics, part of Exact Sciences
Classification: Benign. Review status: criteria provided, single submitter. Criteria: ACMG Guidelines, 2015. Collection method: clinical testing. Allele origin: germline.

NM_033028.4(BBS4):c.-38C>A

Gene: BBS4 (Bardet-Biedl syndrome 4; plus strand). Cytogenetic location: 15q24.1.
Variant type: single nucleotide variant.
Coding change: c.-38C>A on transcript NM_033028.4; 38 bases upstream of the start codon, C replaced by A.
Genome position (GRCh38, 1-based): chr15:72,686,190, C>A. VCF-style: chr15-72686190-C-A. GRCh37 (hg19) VCF-style: chr15-72978531-C-A.
Identifiers: ClinVar variation 262133 (VCV000262133.9), dbSNP rs11637927, ClinGen allele CA7646404.